The following is an entry in ClinVar:

ClinVar aggregate classification (germline): Uncertain significance (1 of 4 stars; one submission).

Allele frequency attached by ClinVar (database versions not stated): gnomAD exomes 0.00001; ExAC 0.00002.
gnomAD v4.1: 9 of 1,614,214 alleles (0.00056%); highest among the groups gnomAD compares: South Asian, 0.0022%; no homozygotes.

Submission:

Labcorp Genetics (formerly Invitae), Labcorp
Classification: Uncertain significance. Last evaluated: 2022-04-10. Review status: criteria provided, single submitter. Criteria: Invitae Variant Classification Sherloc (09022015). Collection method: clinical testing. Allele origin: germline.
Comment: In summary, the available evidence is currently insufficient to determine the role of this variant in disease. Therefore, it has been classified as a Variant of Uncertain Significance. Advanced modeling of protein sequence and biophysical properties (such as structural, functional, and spatial information, amino acid conservation, physicochemical variation, residue mobility, and thermodynamic stability) performed at Invitae indicates that this missense variant is not expected to disrupt CDHR1 protein function. This variant has not been reported in the literature in individuals affected with CDHR1-related conditions. This variant is present in population databases (rs780603118, gnomAD 0.002%). This sequence change replaces valine, which is neutral and non-polar, with methionine, which is neutral and non-polar, at codon 255 of the CDHR1 protein (p.Val255Met).

NM_033100.4(CDHR1):c.763G>A (p.Val255Met)

Gene: CDHR1 (cadherin related family member 1; plus strand). Cytogenetic location: 10q23.1.
Variant type: single nucleotide variant.
Coding change: c.763G>A on transcript NM_033100.4 (MANE Select); coding-DNA position 763, G replaced by A.
Protein change: p.Val255Met; replaces valine 255 with methionine.
Molecular consequence: missense variant.
Genome position (GRCh38, 1-based): chr10:84,203,103, G>A. VCF-style: chr10-84203103-G-A. GRCh37 (hg19) VCF-style: chr10-85962859-G-A.
Other names: c.763G>A, p.Val255Met (NM_001171971.3); short protein forms V255M.
Identifiers: ClinVar variation 2048523 (VCV002048523.2), dbSNP rs780603118, ClinGen allele CA5579665.